The following is an entry in ClinVar:

NM_005068.3(SIM1):c.578A>G (p.Gln193Arg)

Gene: SIM1 (SIM bHLH transcription factor 1; minus strand). Cytogenetic location: 6q16.3.
Variant type: single nucleotide variant.
Coding change: c.578A>G on transcript NM_005068.3 (MANE Select); coding-DNA position 578, A replaced by G.
Protein change: p.Gln193Arg; replaces glutamine 193 with arginine.
Molecular consequence: missense variant.
Genome position (GRCh38, 1-based): chr6:100,448,644, T>C on the plus strand (A>G on the coding strand, the complement: SIM1 is on the minus strand). VCF-style: chr6-100448644-T-C. GRCh37 (hg19) VCF-style: chr6-100896520-T-C.
Other names: c.578A>G, p.Gln193Arg (NM_001374769.1); short protein forms Q193R.
Identifiers: ClinVar variation 4991302 (VCV004991302.1).

ClinVar aggregate classification (germline): Uncertain significance (1 of 4 stars; one submission).

Conditions:
SIM1-related disorder. Also called: SIM1-related disorders; SIM1-related condition.

gnomAD v4.1: 7 of 1,613,040 alleles (0.00043%); highest among the groups gnomAD compares: South Asian, 0.0033%; no homozygotes.

Submission:

PreventionGenetics, part of Exact Sciences
Classification: Uncertain significance for SIM1-related condition. Last evaluated: 2026-07-15. Review status: criteria provided, single submitter. Criteria: ACMG Guidelines, 2015. Collection method: clinical testing. Allele origin: germline.
Comment: The SIM1 c.578A>G variant is predicted to result in the amino acid substitution p.Gln193Arg. To our knowledge, this variant has not been reported in the literature. This variant is reported in 0.0065% of alleles in individuals of South Asian descent in gnomAD. At this time, the clinical significance of this variant is uncertain due to the absence of conclusive functional and genetic evidence.